The following is an entry in ClinVar:

NM_000038.6(APC):c.3022A>G (p.Ile1008Val)

Gene: APC (APC regulator of Wnt signaling pathway; plus strand). Cytogenetic location: 5q22.2.
Variant type: single nucleotide variant.
Coding change: c.3022A>G on transcript NM_000038.6 (MANE Select); coding-DNA position 3022, A replaced by G.
Protein change: p.Ile1008Val; replaces isoleucine 1008 with valine.
Molecular consequence: missense variant.
Genome position (GRCh38, 1-based): chr5:112,838,616, A>G. VCF-style: chr5-112838616-A-G. GRCh37 (hg19) VCF-style: chr5-112174313-A-G.
Other names: c.3022A>G, p.Ile1008Val (NM_001127510.3, NM_001354895.2); c.2968A>G, p.Ile990Val (NM_001127511.3); c.3076A>G, p.Ile1026Val (NM_001354896.2); c.3052A>G, p.Ile1018Val (NM_001354897.2); c.2947A>G, p.Ile983Val (NM_001354898.2); c.2938A>G, p.Ile980Val (NM_001354899.2); c.2899A>G, p.Ile967Val (NM_001354900.2); c.2845A>G, p.Ile949Val (NM_001354901.2); and 5 more; short protein forms I990V, I1008V, I882V, I967V, I949V, I983V, I1026V, I848V.
Identifiers: ClinVar variation 570044 (VCV000570044.22), dbSNP rs1561581407, ClinGen allele CA16027942.

ClinVar aggregate classification (germline): Uncertain significance. Review status: criteria provided, multiple submitters, no conflicts (2 of 4 stars). 5 submissions from 5 submitters: Uncertain significance (5). Last evaluated 2025-06-18.

Conditions:
Hereditary cancer-predisposing syndrome. Also called: Hereditary neoplastic syndrome; Tumor predisposition; Neoplastic Syndromes, Hereditary; Hereditary Cancer Syndrome. Identifiers: Orphanet 140162, MedGen C0027672, MeSH D009386, MONDO:0015356.
Familial adenomatous polyposis 1 (FAP1). Also called: POLYPOSIS, ADENOMATOUS INTESTINAL; FAMILIAL ADENOMATOUS POLYPOSIS 1, ATTENUATED. Identifiers: MedGen C2713442, MONDO:0021056, OMIM 175100. Disease mechanism: loss of function.
Classic or attenuated familial adenomatous polyposis. Identifiers: MedGen CN372698, MONDO:0021057.

Allele frequency attached by ClinVar (database versions not stated): gnomAD exomes below 0.00001.

Submissions (5):

Labcorp Genetics (formerly Invitae), Labcorp
Classification: Uncertain significance for Familial adenomatous polyposis 1. Last evaluated: 2025-06-18. Review status: criteria provided, single submitter. Criteria: Invitae Variant Classification Sherloc (09022015). Collection method: clinical testing. Allele origin: germline.
Comment: This sequence change replaces isoleucine, which is neutral and non-polar, with valine, which is neutral and non-polar, at codon 1008 of the APC protein (p.Ile1008Val). This variant is not present in population databases (gnomAD no frequency). This variant has not been reported in the literature in individuals affected with APC-related conditions. ClinVar contains an entry for this variant (Variation ID: 570044). Invitae Evidence Modeling of protein sequence and biophysical properties (such as structural, functional, and spatial information, amino acid conservation, physicochemical variation, residue mobility, and thermodynamic stability) indicates that this missense variant is not expected to disrupt APC protein function with a negative predictive value of 95%. In summary, the available evidence is currently insufficient to determine the role of this variant in disease. Therefore, it has been classified as a Variant of Uncertain Significance.

Ambry Genetics
Classification: Uncertain significance for Hereditary cancer-predisposing syndrome. Last evaluated: 2025-04-11. Review status: criteria provided, single submitter. Criteria: Ambry Variant Classification Scheme 2023. Collection method: clinical testing. Allele origin: germline.
Comment: The p.I1008V variant (also known as c.3022A>G), located in coding exon 15 of the APC gene, results from an A to G substitution at nucleotide position 3022. The isoleucine at codon 1008 is replaced by valine, an amino acid with highly similar properties. This amino acid position is highly conserved in available vertebrate species. In addition, in silico predictors for this gene do not accurately predict pathogenicity. Since supporting evidence is limited at this time, the clinical significance of this alteration remains unclear.

All of Us Research Program, National Institutes of Health
Classification: Uncertain significance for Classic or attenuated familial adenomatous polyposis. Last evaluated: 2024-04-16. Review status: criteria provided, single submitter. Criteria: ACMG Guidelines, 2015. Collection method: clinical testing. Allele origin: germline. Inheritance: Autosomal dominant inheritance. Observed: 1 variant allele, 1 heterozygote.
Comment: This missense variant replaces isoleucine with valine at codon 1008 of the APC protein. Computational prediction suggests that this variant may not impact protein structure and function (internally defined REVEL score threshold <= 0.5, PMID: 27666373). To our knowledge, functional studies have not been reported for this variant. This variant has not been reported in individuals affected with APC-related disorders in the literature. This variant has not been identified in the general population by the Genome Aggregation Database (gnomAD). The available evidence is insufficient to determine the role of this variant in disease conclusively. Therefore, this variant is classified as a Variant of Uncertain Significance.

This study involves interpretation of variants in research participants for the purpose of population health screening. Participant phenotype was not available at the time of variant classification. Additional details can be found in publication PMID: 35346344, PMCID: PMC8962531

Baylor Genetics
Classification: Uncertain significance for Familial adenomatous polyposis 1. Last evaluated: 2023-12-15. Review status: criteria provided, single submitter. Criteria: ACMG Guidelines, 2015. Collection method: clinical testing. Allele origin: unknown.

Color Diagnostics, LLC DBA Color Health
Classification: Uncertain significance for Hereditary cancer-predisposing syndrome. Last evaluated: 2023-12-04. Review status: criteria provided, single submitter. Criteria: ACMG Guidelines, 2015. Collection method: clinical testing. Allele origin: germline.
Comment: This missense variant replaces isoleucine with valine at codon 1008 of the APC protein. Computational prediction suggests that this variant may not impact protein structure and function (internally defined REVEL score threshold <= 0.5, PMID: 27666373). To our knowledge, functional studies have not been reported for this variant. This variant has not been reported in individuals affected with APC-related disorders in the literature. This variant has not been identified in the general population by the Genome Aggregation Database (gnomAD). The available evidence is insufficient to determine the role of this variant in disease conclusively. Therefore, this variant is classified as a Variant of Uncertain Significance.